The following is an entry in ClinVar:

ClinVar aggregate classification (germline): Uncertain significance. Review status: criteria provided, multiple submitters, no conflicts (2 of 4 stars). 2 submissions from 2 submitters: Uncertain significance (2). Last evaluated 2026-08-06.

Conditions:
Congenital myasthenic syndrome 4A. Also called: Myasthenic syndrome, congenital, 4a, slow-channel; CONGENITAL MYASTHENIC SYNDROME TYPE Ia1; MYASTHENIC SYNDROME, CONGENITAL, 4A, SLOW-CHANNEL, AUTOSOMAL RECESSIVE. Identifiers: Orphanet 590, MedGen C4225413, MONDO:0011600, OMIM 605809.

Submissions (2):

OLLIN Analises Genomicas, OLLIN
Classification: Uncertain significance for Congenital myasthenic syndrome 4A. Last evaluated: 2026-08-06. Review status: criteria provided, single submitter. Criteria: ACMG Guidelines 2015 PMID 25741868. Collection method: clinical testing. Allele origin: germline. Inheritance: Autosomal dominant inheritance.
Comment: This missense variant, located in exon 7 (of 12), is absent from gnomAD and ClinVar and has not been identified in the literature. In silico analysis is inconclusive regarding the impact of this variant. According to the currently available evidence, this variant has been classified as uncertain significance (PM2_P).

Dasa
Classification: Uncertain significance. Last evaluated: 2024-06-06. Review status: criteria provided, single submitter. Criteria: DASA Assertion Criteria. Collection method: clinical testing. Allele origin: germline.
Comment: NM_000080.4(CHRNE):c.772G>C (p.Val258Leu) is a missense variant that results in the substitution of valine with leucine. This variant is rare in population databases. The currently available literature and clinical evidence are not sufficient to establish a definitive association between this variant and the reported condition. Therefore, this variant is classified as a variant of uncertain significance.

NM_000080.4(CHRNE):c.772G>C (p.Val258Leu)

Genes: CHRNE (cholinergic receptor nicotinic epsilon subunit; minus strand), C17orf107 (chromosome 17 open reading frame 107; plus strand). Cytogenetic location: 17p13.2.
Variant type: single nucleotide variant.
Coding change: c.772G>C on transcript NM_000080.4 (MANE Select); coding-DNA position 772, G replaced by C.
Protein change: p.Val258Leu; replaces valine 258 with leucine.
Molecular consequence: missense variant. On other transcripts: 3 prime UTR variant (1).
Genome position (GRCh38, 1-based): chr17:4,901,020, C>G on the plus strand (G>C on the coding strand, the complement: CHRNE is on the minus strand). VCF-style: chr17-4901020-C-G. GRCh37 (hg19) VCF-style: chr17-4804315-C-G.
Other names: c.*487C>G (NM_001145536.2); short protein forms V258L.
Identifiers: ClinVar variation 4885993 (VCV004885993.3).